The following is an entry in ClinVar:

NM_016616.5(NME8):c.1636T>G (p.Leu546Val)

Gene: NME8 (NME/NM23 family member 8; plus strand). Cytogenetic location: 7p14.1.
Variant type: single nucleotide variant.
Coding change: c.1636T>G on transcript NM_016616.5 (MANE Select); coding-DNA position 1636, T replaced by G.
Protein change: p.Leu546Val; replaces leucine 546 with valine.
Molecular consequence: missense variant.
Genome position (GRCh38, 1-based): chr7:37,896,961, T>G. VCF-style: chr7-37896961-T-G. GRCh37 (hg19) VCF-style: chr7-37936563-T-G.
Other names: c.1636T>G (NM_016616.4); short protein forms L546V.
Identifiers: ClinVar variation 2858349 (VCV002858349.4), dbSNP rs2131977709, ClinGen allele CA367217888.

ClinVar aggregate classification (germline): Uncertain significance (1 of 4 stars; one submission).

Conditions:
Primary ciliary dyskinesia 6. Also called: Primary Ciliary Dyskinesia 6: TXNDC3-Related Primary Ciliary Dyskinesia. Identifiers: Orphanet 244, MedGen C1970506, MONDO:0012571, OMIM 610852.

Submission:

Labcorp Genetics (formerly Invitae), Labcorp
Classification: Uncertain significance for Primary ciliary dyskinesia 6. Last evaluated: 2025-03-31. Review status: criteria provided, single submitter. Criteria: Invitae Variant Classification Sherloc (09022015). Collection method: clinical testing. Allele origin: germline.
Comment: This sequence change replaces leucine, which is neutral and non-polar, with valine, which is neutral and non-polar, at codon 546 of the NME8 protein (p.Leu546Val). This variant is not present in population databases (gnomAD no frequency). This variant has not been reported in the literature in individuals affected with NME8-related conditions. ClinVar contains an entry for this variant (Variation ID: 2858349). Invitae Evidence Modeling of protein sequence and biophysical properties (such as structural, functional, and spatial information, amino acid conservation, physicochemical variation, residue mobility, and thermodynamic stability) indicates that this missense variant is not expected to disrupt NME8 protein function with a negative predictive value of 80%. In summary, the available evidence is currently insufficient to determine the role of this variant in disease. Therefore, it has been classified as a Variant of Uncertain Significance.